The following is an entry in ClinVar:

ClinVar aggregate classification (germline): Uncertain significance (1 of 4 stars; one submission).

Conditions:
Carnitine palmitoyltransferase II deficiency. Also called: Carnitine Palmitoyltransferase 2 Deficiency. Identifiers: Orphanet 157, MedGen C0342790, MONDO:0015515.

Allele frequency attached by ClinVar (database versions not stated): gnomAD exomes below 0.00001; ExAC 0.00001.

Submission:

Labcorp Genetics (formerly Invitae), Labcorp
Classification: Uncertain significance for Carnitine palmitoyltransferase II deficiency. Last evaluated: 2021-10-06. Review status: criteria provided, single submitter. Criteria: Invitae Variant Classification Sherloc (09022015). Collection method: clinical testing. Allele origin: germline.
Comment: This sequence change replaces aspartic acid with histidine at codon 319 of the CPT2 protein (p.Asp319His). The aspartic acid residue is highly conserved and there is a moderate physicochemical difference between aspartic acid and histidine. This variant is present in population databases (rs775030648, ExAC 0.009%). This variant has not been reported in the literature in individuals affected with CPT2-related conditions. Advanced modeling of protein sequence and biophysical properties (such as structural, functional, and spatial information, amino acid conservation, physicochemical variation, residue mobility, and thermodynamic stability) performed at Invitae indicates that this missense variant is expected to disrupt CPT2 protein function. In summary, the available evidence is currently insufficient to determine the role of this variant in disease. Therefore, it has been classified as a Variant of Uncertain Significance.

NM_000098.3(CPT2):c.955G>C (p.Asp319His)

Gene: CPT2 (carnitine palmitoyltransferase 2; plus strand). Cytogenetic location: 1p32.3.
Variant type: single nucleotide variant.
Coding change: c.955G>C on transcript NM_000098.3 (MANE Select); coding-DNA position 955, G replaced by C.
Protein change: p.Asp319His; replaces aspartic acid 319 with histidine.
Molecular consequence: missense variant.
Genome position (GRCh38, 1-based): chr1:53,210,629, G>C. VCF-style: chr1-53210629-G-C. GRCh37 (hg19) VCF-style: chr1-53676301-G-C.
Other names: c.955G>C, p.Asp319His (NM_001330589.2); short protein forms D319H.
Identifiers: ClinVar variation 1365585 (VCV001365585.3), dbSNP rs775030648, ClinGen allele CA859092.